The following is an entry in ClinVar:

ClinVar aggregate classification (germline): Uncertain significance (1 of 4 stars; one submission).

Conditions:
Early-infantile DEE. Also called: Ohtahara syndrome; Early infantile epileptic encephalopathy with suppression bursts; Early infantile epileptic encephalopathy. Identifiers: Orphanet 1934, MedGen C0393706, MONDO:0800491.

Submission:

Labcorp Genetics (formerly Invitae), Labcorp
Classification: Uncertain significance for Early-infantile DEE. Last evaluated: 2024-02-20. Review status: criteria provided, single submitter. Criteria: Invitae Variant Classification Sherloc (09022015). Collection method: clinical testing. Allele origin: germline.
Comment: This sequence change replaces lysine, which is basic and polar, with asparagine, which is neutral and polar, at codon 159 of the SCN8A protein (p.Lys159Asn). This variant is not present in population databases (gnomAD no frequency). This variant has not been reported in the literature in individuals affected with SCN8A-related conditions. ClinVar contains an entry for this variant (Variation ID: 1045303). Advanced modeling of protein sequence and biophysical properties (such as structural, functional, and spatial information, amino acid conservation, physicochemical variation, residue mobility, and thermodynamic stability) has been performed at Invitae for this missense variant, however the output from this modeling did not meet the statistical confidence thresholds required to predict the impact of this variant on SCN8A protein function. Algorithms developed to predict the effect of sequence changes on RNA splicing suggest that this variant may disrupt the consensus splice site. In summary, the available evidence is currently insufficient to determine the role of this variant in disease. Therefore, it has been classified as a Variant of Uncertain Significance.

NM_001330260.2(SCN8A):c.477G>T (p.Lys159Asn)

Gene: SCN8A (sodium voltage-gated channel alpha subunit 8; plus strand). Cytogenetic location: 12q13.13.
Variant type: single nucleotide variant.
Coding change: c.477G>T on transcript NM_001330260.2 (MANE Select); coding-DNA position 477, G replaced by T.
Protein change: p.Lys159Asn; replaces lysine 159 with asparagine.
Molecular consequence: missense variant.
Genome position (GRCh38, 1-based): chr12:51,686,449, G>T. VCF-style: chr12-51686449-G-T. GRCh37 (hg19) VCF-style: chr12-52080233-G-T.
Other names: c.477G>T, p.Lys159Asn (NM_001177984.3, NM_001369788.1, NM_014191.4); short protein forms K159N.
Identifiers: ClinVar variation 1045303 (VCV001045303.9), dbSNP rs781190497, ClinGen allele CA385221907.